The following is an entry in ClinVar:

NM_024529.5(CDC73):c.12_31dup (p.Tyr11fs)

Gene: CDC73 (cell division cycle 73; plus strand). Cytogenetic location: 1q31.2.
Variant type: Duplication.
Coding change: c.12_31dup on transcript NM_024529.5 (MANE Select); coding-DNA positions 12 to 31, 20 bases duplicated (GCTTAGCGTCCTGCGACAGT).
Protein change: p.Tyr11fs; shifts the reading frame from tyrosine 11.
Molecular consequence: frameshift variant.
Genome position (GRCh38, 1-based): chr1:193,122,212-193,122,231, GCTTAGCGTCCTGCGACAGT duplicated; duplicating any 20 consecutive bases within chr1:193,122,210-193,122,231 gives the same sequence; the c. name uses the placement nearest the transcript's 3' end. VCF-style (leftmost placement, unchanged base first): chr1-193122209-C-CGTGCTTAGCGTCCTGCGACA. GRCh37 (hg19) VCF-style: chr1-193091339-C-CGTGCTTAGCGTCCTGCGACA.
Other names: short protein forms Y11fs.
Identifiers: ClinVar variation 579524 (VCV000579524.9), dbSNP rs1558276082, ClinGen allele CA891843450.

ClinVar aggregate classification (germline): Pathogenic (1 of 4 stars; one submission).

Conditions:
Parathyroid carcinoma (PRTC). Also called: Parathyroid gland carcinoma; CDC73-Related Parathyroid Carcinoma. Identifiers: Orphanet 143, MedGen C0687150, MONDO:0012004, OMIM 608266, HP:0006780.

Submission:

Labcorp Genetics (formerly Invitae), Labcorp
Classification: Pathogenic for Parathyroid carcinoma. Last evaluated: 2018-05-30. Review status: criteria provided, single submitter. Criteria: Invitae Variant Classification Sherloc (09022015). Collection method: clinical testing. Allele origin: germline.
Comment: This variant has been observed in an individual affected with hyperparathyroidism-jaw tumor syndrome (PMID: 20052758). This variant is not present in population databases (ExAC no frequency). This sequence change creates a premature translational stop signal (p.Tyr11Cysfs*17) in the CDC73 gene. It is expected to result in an absent or disrupted protein product. Loss-of-function variants in CDC73 are known to be pathogenic (PMID: 12434154). For these reasons, this variant has been classified as Pathogenic.

Literature cited by the submitters: PubMed 20052758; PubMed 12434154.